The following is an entry in ClinVar:

NM_004006.3(DMD):c.10223+5G>A

Gene: DMD (dystrophin; minus strand). Cytogenetic location: Xp21.2.
Variant type: single nucleotide variant.
Coding change: c.10223+5G>A on transcript NM_004006.3 (MANE Select); 5 bases into the intron after coding-DNA position 10223, G replaced by A.
Molecular consequence: intron variant. On other transcripts: 3 prime UTR variant (1).
Genome position (GRCh38, 1-based): chrX:31,178,664, C>T on the plus strand (G>A on the coding strand, the complement: DMD is on the minus strand). VCF-style: chrX-31178664-C-T. GRCh37 (hg19) VCF-style: chrX-31196781-C-T.
Other names: c.*1G>A (NM_004019.3); c.10199+5G>A (NM_000109.4); c.6200+5G>A (NM_004011.4); c.6191+5G>A (NM_004012.4); c.2843+5G>A (NM_004023.3, NM_004020.4, NM_004022.3 and 2 more transcripts); c.2036+5G>A (NM_004014.3); c.1019+5G>A (NM_004018.3, NM_004017.3, NM_004016.3 and 1 more transcripts); c.10211+5G>A (NM_004009.3); and 1 more.
Identifiers: ClinVar variation 2440876 (VCV002440876.5), dbSNP rs2148290176, ClinGen allele CA2580100548.

ClinVar aggregate classification (germline): Uncertain significance. Review status: criteria provided, multiple submitters, no conflicts (2 of 4 stars). 2 submissions from 2 submitters: Uncertain significance (2). Last evaluated 2024-02-15.

Conditions:
Duchenne muscular dystrophy (DMD). Also called: Duchenne Muscular Dystrophy (DMD); MUSCULAR DYSTROPHY, PSEUDOHYPERTROPHIC PROGRESSIVE, DUCHENNE TYPE. Identifiers: Orphanet 98896, MedGen C0013264, MONDO:0010679, OMIM 310200.

Submissions (2):

Labcorp Genetics (formerly Invitae), Labcorp
Classification: Uncertain significance for Duchenne muscular dystrophy. Last evaluated: 2024-02-15. Review status: criteria provided, single submitter. Criteria: Invitae Variant Classification Sherloc (09022015). Collection method: clinical testing. Allele origin: germline.
Comment: This sequence change falls in intron 70 of the DMD gene. It does not directly change the encoded amino acid sequence of the DMD protein. It affects a nucleotide within the consensus splice site. This variant is not present in population databases (gnomAD no frequency). This variant has been observed in individual(s) with DMD-related conditions (PMID: 16770791). ClinVar contains an entry for this variant (Variation ID: 2440876). Variants that disrupt the consensus splice site are a relatively common cause of aberrant splicing (PMID: 17576681, 9536098). Algorithms developed to predict the effect of sequence changes on RNA splicing suggest that this variant may disrupt the consensus splice site. In summary, the available evidence is currently insufficient to determine the role of this variant in disease. Therefore, it has been classified as a Variant of Uncertain Significance.

Revvity Omics, Revvity
Classification: Uncertain significance. Last evaluated: 2023-03-14. Review status: criteria provided, single submitter. Criteria: ACMG Guidelines, 2015. Collection method: clinical testing. Allele origin: germline.

Literature cited by the submitters: PubMed 16770791 (cited by Labcorp Genetics (formerly Invitae), Labcorp); PubMed 17576681 (cited by Labcorp Genetics (formerly Invitae), Labcorp); PubMed 9536098 (cited by Labcorp Genetics (formerly Invitae), Labcorp).